The following is an entry in ClinVar:

NM_000430.4(PAFAH1B1):c.313A>G (p.Ser105Gly)

Gene: PAFAH1B1 (platelet activating factor acetylhydrolase 1b regulatory subunit 1; plus strand). Cytogenetic location: 17p13.3.
Variant type: single nucleotide variant.
Coding change: c.313A>G on transcript NM_000430.4 (MANE Select); coding-DNA position 313, A replaced by G.
Protein change: p.Ser105Gly; replaces serine 105 with glycine.
Molecular consequence: missense variant.
Genome position (GRCh38, 1-based): chr17:2,667,112, A>G. VCF-style: chr17-2667112-A-G. GRCh37 (hg19) VCF-style: chr17-2570406-A-G.
Other names: short protein forms S105G.
Identifiers: ClinVar variation 4765641 (VCV004765641.1).
Genomic context (GRCh38, chr17:2,667,112, plus strand): 5'-CTTGGTCAGAAACGAGACCCAAAAGAATGGATTCCCCGTCCGCCAGAAAAATATGCATTG[A>G]GTGGTCACAGGAGTCCAGTCACTCGAGTCATTTTCCATCCTGTGTTCAGTGTTATGGTCT-3'
Protein context (NP_000421.1, residues 95-115): IPRPPEKYAL[Ser105Gly]GHRSPVTRVI

ClinVar aggregate classification (germline): Uncertain significance (1 of 4 stars; one submission).

Submission:

Labcorp Genetics (formerly Invitae), Labcorp
Classification: Uncertain significance. Last evaluated: 2025-09-03. Review status: criteria provided, single submitter. Criteria: Invitae Variant Classification Sherloc (09022015). Collection method: clinical testing. Allele origin: germline.
Comment: This sequence change replaces serine, which is neutral and polar, with glycine, which is neutral and non-polar, at codon 105 of the PAFAH1B1 protein (p.Ser105Gly). This variant is not present in population databases (gnomAD no frequency). This variant has not been reported in the literature in individuals affected with PAFAH1B1-related conditions. An algorithm developed to predict the effect of missense changes on protein structure and function (PolyPhen-2) suggests that this variant is likely to be tolerated. In summary, the available evidence is currently insufficient to determine the role of this variant in disease. Therefore, it has been classified as a Variant of Uncertain Significance.